The following is an entry in ClinVar:

ClinVar aggregate classification (germline): Uncertain significance. Review status: criteria provided, multiple submitters, no conflicts (2 of 4 stars). 3 submissions from 3 submitters: Uncertain significance (3). Last evaluated 2025-11-03.

Conditions:
Hereditary cancer-predisposing syndrome. Also called: Hereditary Cancer Syndrome; Hereditary neoplastic syndrome; Neoplastic Syndromes, Hereditary; Tumor predisposition. Identifiers: Orphanet 140162, MedGen C0027672, MeSH D009386, MONDO:0015356.
Familial cancer of breast. Also called: Hereditary breast cancer; BREAST CANCER, FAMILIAL; hereditary breast carcinoma. Identifiers: Orphanet 227535, MedGen C0346153, MONDO:0016419, OMIM 114480. Disease mechanism: loss of function.

Submissions (3):

Labcorp Genetics (formerly Invitae), Labcorp
Classification: Uncertain significance for Familial cancer of breast. Last evaluated: 2025-11-03. Review status: criteria provided, single submitter. Criteria: Invitae Variant Classification Sherloc (09022015). Collection method: clinical testing. Allele origin: germline.
Comment: This sequence change replaces asparagine, which is neutral and polar, with serine, which is neutral and polar, at codon 196 of the CHEK2 protein (p.Asn196Ser). This variant is not present in population databases (gnomAD no frequency). This variant has not been reported in the literature in individuals affected with CHEK2-related conditions. ClinVar contains an entry for this variant (Variation ID: 216648). An algorithm developed to predict the effect of missense changes on protein structure and function (PolyPhen-2) suggests that this variant is likely to be disruptive. Experimental studies have shown that this missense change does not substantially affect CHEK2 function (PMID: 37449874). In summary, the available evidence is currently insufficient to determine the role of this variant in disease. Therefore, it has been classified as a Variant of Uncertain Significance.

Ambry Genetics
Classification: Uncertain significance for Hereditary cancer-predisposing syndrome. Last evaluated: 2025-02-14. Review status: criteria provided, single submitter. Criteria: Ambry Variant Classification Scheme 2023. Collection method: clinical testing. Allele origin: germline.
Comment: The p.N196S variant (also known as c.587A>G), located in coding exon 3 of the CHEK2 gene, results from an A to G substitution at nucleotide position 587. The asparagine at codon 196 is replaced by serine, an amino acid with highly similar properties. This variant was reported as functional in a study assessing CHEK2-complementation through quantification of KAP1 phosphorylation and CHK2 autophosphorylation in human RPE1-CHEK2-knockout cells (Stolarova L et al. Clin Cancer Res, 2023 Aug;29:3037-3050). This amino acid position is highly conserved in available vertebrate species. In addition, this alteration is predicted to be tolerated by in silico analysis. Based on the available evidence, the clinical significance of this variant remains unclear.

Color Diagnostics, LLC DBA Color Health
Classification: Uncertain significance for Hereditary cancer-predisposing syndrome. Last evaluated: 2024-09-03. Review status: criteria provided, single submitter. Criteria: ACMG Guidelines, 2015. Collection method: clinical testing. Allele origin: germline.
Comment: This missense variant replaces asparagine with serine at codon 196 of the CHEK2 protein. Computational prediction suggests that this variant may not impact protein structure and function. Functional studies have reported this variant behaved like wild-type in in vitro kinase assays (PMID: 37449874). This variant has not been reported in individuals affected with CHEK2-related disorders in the literature. This variant has not been identified in the general population by the Genome Aggregation Database (gnomAD). The available evidence is insufficient to determine the role of this variant in disease conclusively. Therefore, this variant is classified as a Variant of Uncertain Significance.

Literature cited by the submitters: PubMed 37449874 (cited by 3 submitters).

NM_007194.4(CHEK2):c.587A>G (p.Asn196Ser)

Gene: CHEK2 (checkpoint kinase 2; minus strand). Cytogenetic location: 22q12.1.
Variant type: single nucleotide variant.
Coding change: c.587A>G on transcript NM_007194.4 (MANE Select); coding-DNA position 587, A replaced by G.
Protein change: p.Asn196Ser; replaces asparagine 196 with serine.
Molecular consequence: missense variant. On other transcripts: intron variant (1), 5 prime UTR variant (2).
Genome position (GRCh38, 1-based): chr22:28,724,982, T>C on the plus strand (A>G on the coding strand, the complement: CHEK2 is on the minus strand). VCF-style: chr22-28724982-T-C. GRCh37 (hg19) VCF-style: chr22-29120970-T-C.
Other names: c.587A>G, p.Asn196Ser (NM_145862.3); c.445-59A>G (NM_001349956.3); c.716A>G, p.Asn239Ser (NM_001438294.1, NM_001005735.3); c.680A>G, p.Asn227Ser (NM_001438295.1, NM_001438293.1); c.-191A>G (NM_001257387.3); c.-77A>G (NM_001437942.1); short protein forms N196S, N239S, N227S.
Identifiers: ClinVar variation 216648 (VCV000216648.13), dbSNP rs863224751, ClinGen allele CA336673.
Genomic context (GRCh38, chr22:28,724,982, plus strand): 5'-TCCTATGAGAGAGTGGAAAAAAAAAATTCCAGTAACCATAAGATAATAATATTACCTTTA[T>C]TTCTGCTTAGTGACAGTGCAATTTCAGAATTGTTATTCAAAGGACGGCGTTTTCCTTTCC-3'
Protein context (NP_009125.1, residues 186-206): NSEIALSLSR[Asn196Ser]KVFVFFDLTV